The following is an entry in ClinVar:

NM_000094.4(COL7A1):c.5810del (p.Gly1937fs)

Gene: COL7A1 (collagen type VII alpha 1 chain; minus strand). Cytogenetic location: 3p21.31.
Variant type: Deletion.
Coding change: c.5810del on transcript NM_000094.4 (MANE Select); coding-DNA position 5810, one base deleted (G; older notation c.5810delG).
Protein change: p.Gly1937fs; shifts the reading frame from glycine 1937.
Molecular consequence: frameshift variant.
Genome position (GRCh38, 1-based): chr3:48,576,259, C deleted on the plus strand (G on the coding strand, the reverse complement: COL7A1 is on the minus strand); the first of 2 consecutive C bases (chr3:48,576,259-48,576,260); deleting either gives the same sequence. VCF-style (leftmost placement, unchanged base first): chr3-48576258-TC-T. GRCh37 (hg19) VCF-style: chr3-48613691-TC-T.
Other names: short protein forms G1937fs.
Identifiers: ClinVar variation 2071512 (VCV002071512.4), dbSNP rs2530991909, ClinGen allele CA2580070014.

ClinVar aggregate classification (germline): Pathogenic (1 of 4 stars; one submission).

Submission:

Labcorp Genetics (formerly Invitae), Labcorp
Classification: Pathogenic. Last evaluated: 2022-01-03. Review status: criteria provided, single submitter. Criteria: Invitae Variant Classification Sherloc (09022015). Collection method: clinical testing. Allele origin: germline.
Comment: This sequence change creates a premature translational stop signal (p.Gly1937Glufs*68) in the COL7A1 gene. It is expected to result in an absent or disrupted protein product. Loss-of-function variants in COL7A1 are known to be pathogenic (PMID: 16971478). For these reasons, this variant has been classified as Pathogenic. This variant has not been reported in the literature in individuals affected with COL7A1-related conditions. This variant is not present in population databases (gnomAD no frequency).

Literature cited by the submitters: PubMed 16971478.